The following is an entry in ClinVar:

ClinVar aggregate classification (germline): Conflicting classifications of pathogenicity. Review status: criteria provided, conflicting classifications (1 of 4 stars). 11 submissions from 11 submitters: Uncertain significance (1); Benign (5); Likely benign (4). 1 of the submissions does not count toward it. Last evaluated 2025-01-07.

Conditions:
Cardiovascular phenotype. Identifiers: MedGen CN230736.
Arrhythmogenic right ventricular cardiomyopathy (ARVD). Also called: Arrhythmogenic Right Ventricular Cardiomyopathy (ARVC); Arrhythmogenic cardiomyopathy; Cardiomyopathy, ARVC; Arrhythmogenic right ventricular dysplasia. Identifiers: Orphanet 247, MedGen C0349788, MeSH D019571, MONDO:0016587. Disease mechanism: loss of function. Inheritance: Various modes of inheritance.
Cardiomyopathy (CMYO). Also called: Cardiomyopathies. Identifiers: Orphanet 167848, MedGen C0878544, MONDO:0004994, HP:0001638. Inheritance: Various modes of inheritance.
Arrhythmogenic right ventricular dysplasia 10. Also called: Arrhythmogenic Right Ventricular Dysplasia/Cardiomyopathy10; ARRHYTHMOGENIC RIGHT VENTRICULAR DYSPLASIA, FAMILIAL, 10; Arrhythmogenic right ventricular dysplasia/cardiomyopathy, type 10. Identifiers: MedGen C1857777, MONDO:0012434, OMIM 610193.

Allele frequency attached by ClinVar (database versions not stated): gnomAD 0.00054 and 0.00066; TOPMed 0.00059; ESP Exome Variant Server 0.00072; 1000 Genomes Project 0.00080; ExAC 0.00084; gnomAD exomes 0.00091; 1000 Genomes Project 30x 0.00141.
gnomAD v4.1: 1,693 of 1,613,762 alleles (0.1%); highest among the groups gnomAD compares: South Asian, 0.28%; 5 homozygotes.

Submissions (11):

Mayo Clinic Laboratories, Mayo Clinic
Classification: Benign. Last evaluated: 2025-01-07. Review status: criteria provided, single submitter. Criteria: ACMG Guidelines, 2015. Collection method: clinical testing. Allele origin: germline. Observed: 2 variant alleles.
Comment: BS1, BS2

Blueprint Genetics
Classification: Likely benign. Last evaluated: 2024-11-26. Review status: criteria provided, single submitter. Criteria: ACMG Guidelines, 2015. Collection method: clinical testing. Allele origin: germline.

All of Us Research Program, National Institutes of Health
Classification: Benign for Arrhythmogenic right ventricular cardiomyopathy. Last evaluated: 2024-01-11. Review status: criteria provided, single submitter. Criteria: ACMG Guidelines, 2015. Collection method: clinical testing. Allele origin: germline. Inheritance: Autosomal dominant inheritance. Observed: 172 variant alleles, 171 heterozygotes, 1 homozygote.
Comment: This study involves interpretation of variants in research participants for the purpose of population health screening. Participant phenotype was not available at the time of variant classification. Additional details can be found in publication PMID: 35346344, PMCID: PMC8962531

CHEO Genetics Diagnostic Laboratory, Children's Hospital of Eastern Ontario
Classification: Benign for Cardiomyopathy. Last evaluated: 2023-03-21. Review status: criteria provided, single submitter. Criteria: ACMG Guidelines, 2015. Collection method: clinical testing. Allele origin: germline.

Ambry Genetics
Classification: Likely benign for Cardiovascular phenotype. Last evaluated: 2018-08-23. Review status: criteria provided, single submitter. Criteria: Ambry Variant Classification Scheme 2023. Collection method: clinical testing. Allele origin: germline.

Color Diagnostics, LLC DBA Color Health
Classification: Benign for Cardiomyopathy. Last evaluated: 2018-06-11. Review status: criteria provided, single submitter. Criteria: ACMG Guidelines, 2015. Collection method: clinical testing. Allele origin: germline.

Illumina Laboratory Services, Illumina
Classification: Uncertain significance for Arrhythmogenic right ventricular dysplasia 10. Last evaluated: 2018-01-13. Review status: criteria provided, single submitter. Criteria: ICSL Variant Classification Criteria 13 December 2019. Collection method: clinical testing. Allele origin: germline.

Eurofins Ntd Llc (ga)
Classification: Likely benign. Last evaluated: 2015-07-08. Review status: criteria provided, single submitter. Criteria: EGL Classification Definitions 2015. Collection method: clinical testing. Allele origin: germline. Observed: 1 variant allele, 1 heterozygote.

GeneDx
Classification: Benign. Last evaluated: 2014-07-14. Review status: criteria provided, single submitter. Criteria: GeneDx Variant Classification (06012015). Collection method: clinical testing. Allele origin: germline. Affected: yes.
Comment: This variant is considered likely benign or benign based on one or more of the following criteria: it is a conservative change, it occurs at a poorly conserved position in the protein, it is predicted to be benign by multiple in silico algorithms, and/or has population frequency not consistent with disease.

PreventionGenetics, part of Exact Sciences
Classification: Likely benign. Review status: criteria provided, single submitter. Criteria: ACMG Guidelines, 2015. Collection method: clinical testing. Allele origin: germline.

Laboratory for Molecular Medicine, Mass General Brigham Personalized Medicine
No classification provided. Last evaluated: 2014-08-22. Review status: no classification provided. Collection method: clinical testing. Allele origin: germline. Observed: 2 variant alleles. Not counted in ClinVar's aggregate classification.

NM_001943.5(DSG2):c.*2C>T

Genes: DSG2 (desmoglein 2; plus strand), DSG2-AS1 (DSG2 antisense RNA 1; minus strand). Cytogenetic location: 18q12.1.
Variant type: single nucleotide variant.
Coding change: c.*2C>T on transcript NM_001943.5 (MANE Select); 2 bases downstream of the stop codon, C replaced by T.
Molecular consequence: 3 prime UTR variant.
Genome position (GRCh38, 1-based): chr18:31,546,745, C>T. VCF-style: chr18-31546745-C-T. GRCh37 (hg19) VCF-style: chr18-29126708-C-T.
Identifiers: ClinVar variation 163229 (VCV000163229.24), dbSNP rs183494886, ClinGen allele CA021950.